The following is an entry in ClinVar:

ClinVar aggregate classification (germline): Likely benign. Review status: criteria provided, multiple submitters, no conflicts (2 of 4 stars). 6 submissions from 6 submitters: Likely benign (6). Last evaluated 2026-08-07.

Conditions:
VCL-related disorder. Also called: VCL-related condition.
Cardiovascular phenotype. Identifiers: MedGen CN230736.
Dilated cardiomyopathy 1W (CMD1W). Identifiers: Orphanet 154, MedGen C1969639, MONDO:0012667, OMIM 611407.

Allele frequency attached by ClinVar (database versions not stated): ExAC 0.00002; gnomAD exomes 0.00002 and 0.00003; gnomAD 0.00003; TOPMed 0.00003.
gnomAD v4.1: 55 of 1,613,108 alleles (0.0034%); highest among the groups gnomAD compares: Non-Finnish European, 0.0043%; no homozygotes.

Submissions (6):

PreventionGenetics, part of Exact Sciences
Classification: Likely benign for VCL-related condition. Last evaluated: 2026-08-07. Review status: criteria provided, single submitter. Criteria: ACMG Guidelines, 2015. Collection method: clinical testing. Allele origin: germline.
Comment: This variant is classified as likely benign based on ACMG/AMP sequence variant interpretation guidelines (Richards et al. 2015 PMID: 25741868, with internal and published modifications).

Labcorp Genetics (formerly Invitae), Labcorp
Classification: Likely benign for Dilated cardiomyopathy 1W. Last evaluated: 2026-01-10. Review status: criteria provided, single submitter. Criteria: Invitae Variant Classification Sherloc (09022015). Collection method: clinical testing. Allele origin: germline.

Blueprint Genetics
Classification: Likely benign. Last evaluated: 2024-09-09. Review status: criteria provided, single submitter. Criteria: ACMG Guidelines, 2015. Collection method: clinical testing. Allele origin: germline.

Women's Health and Genetics/Laboratory Corporation of America, LabCorp
Classification: Likely benign. Last evaluated: 2021-08-08. Review status: criteria provided, single submitter. Criteria: LabCorp Variant Classification Summary - May 2015. Collection method: clinical testing. Allele origin: germline.

Ambry Genetics
Classification: Likely benign for Cardiovascular phenotype. Last evaluated: 2020-01-10. Review status: criteria provided, single submitter. Criteria: Ambry Variant Classification Scheme 2023. Collection method: clinical testing. Allele origin: germline.

GeneDx
Classification: Likely benign. Last evaluated: 2018-02-14. Review status: criteria provided, single submitter. Criteria: GeneDx Variant Classification (06012015). Collection method: clinical testing. Allele origin: germline. Affected: yes.
Comment: This variant is considered likely benign or benign based on one or more of the following criteria: it is a conservative change, it occurs at a poorly conserved position in the protein, it is predicted to be benign by multiple in silico algorithms, and/or has population frequency not consistent with disease.

NM_014000.3(VCL):c.225A>G (p.Pro75=)

Gene: VCL (vinculin; plus strand). Cytogenetic location: 10q22.2.
Variant type: single nucleotide variant.
Coding change: c.225A>G on transcript NM_014000.3 (MANE Select); coding-DNA position 225, A replaced by G.
Protein change: p.Pro75=; no amino-acid change (proline 75 retained).
Molecular consequence: synonymous variant.
Genome position (GRCh38, 1-based): chr10:74,043,139, A>G. VCF-style: chr10-74043139-A-G. GRCh37 (hg19) VCF-style: chr10-75802897-A-G.
Other names: c.225A>G, p.Pro75= (NM_003373.4).
Identifiers: ClinVar variation 468814 (VCV000468814.14), dbSNP rs759937112, ClinGen allele CA5562727.